The following is an entry in ClinVar:

ClinVar aggregate classification (germline): Likely benign (1 of 4 stars; one submission).

Allele frequency attached by ClinVar (database versions not stated): ESP Exome Variant Server 0.00008.
gnomAD v4.1: 7 of 1,613,674 alleles (0.00043%); highest among the groups gnomAD compares: Middle Eastern, 0.016%; no homozygotes.

Submission:

CeGaT Center for Human Genetics Tuebingen
Classification: Likely benign. Last evaluated: 2024-02-01. Review status: criteria provided, single submitter. Criteria: CeGaT Center For Human Genetics Tuebingen Variant Classification Criteria Version 2. Collection method: clinical testing. Allele origin: germline. Affected: yes. Observed: 1 variant allele.
Comment: KIAA0586: BP4, BP7

NM_001329943.3(KIAA0586):c.171G>A (p.Thr57=)

Gene: KIAA0586 (KIAA0586; plus strand). Cytogenetic location: 14q23.1.
Variant type: single nucleotide variant.
Coding change: c.171G>A on transcript NM_001329943.3 (MANE Select); coding-DNA position 171, G replaced by A.
Protein change: p.Thr57=; no amino-acid change (threonine 57 retained).
Molecular consequence: synonymous variant. On other transcripts: intron variant (5).
Genome position (GRCh38, 1-based): chr14:58,428,435, G>A. VCF-style: chr14-58428435-G-A. GRCh37 (hg19) VCF-style: chr14-58895153-G-A.
Other names: c.207G>A, p.Thr69= (NM_001244189.2); c.126G>A, p.Thr42= (NM_001244190.2); c.171G>A, p.Thr57= (NM_001329944.2, NM_001329946.2, NM_001329947.2 and 1 more transcripts); c.-57+798G>A (NM_001244192.2, NM_001244191.2); c.-57+622G>A (NM_001364701.2, NM_001329945.2, NM_001364700.1).
Identifiers: ClinVar variation 3027314 (VCV003027314.22), dbSNP rs372659413, ClinGen allele CA261632744.